The following is an entry in ClinVar:

ClinVar aggregate classification (germline): Pathogenic (1 of 4 stars; one submission).

Conditions:
Joubert syndrome. Also called: CEREBELLOPARENCHYMAL DISORDER IV; JOUBERT-BOLTSHAUSER SYNDROME; Familial aplasia of the vermis. Identifiers: Orphanet 475, MedGen C5979921, MONDO:0018772.

Submission:

Labcorp Genetics (formerly Invitae), Labcorp
Classification: Pathogenic for Joubert syndrome. Last evaluated: 2019-11-26. Review status: criteria provided, single submitter. Criteria: Invitae Variant Classification Sherloc (09022015). Collection method: clinical testing. Allele origin: germline.
Comment: For these reasons, this variant has been classified as Pathogenic. Loss-of-function variants in AHI1 are known to be pathogenic (PMID: 15322546, 16453322). This variant has not been reported in the literature in individuals with AHI1-related conditions. This variant is not present in population databases (ExAC no frequency). This sequence change creates a premature translational stop signal (p.Arg1079Hisfs*9) in the AHI1 gene. It is expected to result in an absent or disrupted protein product.

Literature cited by the submitters: PubMed 15322546; PubMed 16453322.

NM_001134831.2(AHI1):c.3229_3235dup (p.Arg1079fs)

Gene: AHI1 (Abelson helper integration site 1; minus strand). Cytogenetic location: 6q23.3.
Variant type: Duplication.
Coding change: c.3229_3235dup on transcript NM_001134831.2 (MANE Select); coding-DNA positions 3229 to 3235, 7 bases duplicated (ATTATCC; older notation c.3229_3235dupATTATCC).
Protein change: p.Arg1079fs; shifts the reading frame from arginine 1079.
Molecular consequence: frameshift variant.
Genome position (GRCh38, 1-based): chr6:135,323,255-135,323,261, GGATAAT duplicated on the plus strand (ATTATCC on the coding strand, the reverse complement: AHI1 is on the minus strand); duplicating any 7 consecutive bases within chr6:135,323,255-135,323,262 gives the same sequence; the c. name uses the placement nearest the transcript's 3' end. VCF-style (leftmost placement, unchanged base first): chr6-135323254-C-CGGATAAT. GRCh37 (hg19) VCF-style: chr6-135644392-C-CGGATAAT.
Other names: c.3229_3235dup, p.Arg1079fs (NM_001134830.2, NM_001350503.2, NM_001350504.2 and 1 more transcripts); short protein forms R1079fs.
Identifiers: ClinVar variation 839079 (VCV000839079.8), dbSNP rs1787150198, ClinGen allele CA916082900.